The following is an entry in ClinVar:

NM_024675.4(PALB2):c.3478T>G (p.Ser1160Ala)

Gene: PALB2 (partner and localizer of BRCA2; minus strand). Cytogenetic location: 16p12.2.
Variant type: single nucleotide variant.
Coding change: c.3478T>G on transcript NM_024675.4 (MANE Select); coding-DNA position 3478, T replaced by G.
Protein change: p.Ser1160Ala; replaces serine 1160 with alanine.
Molecular consequence: missense variant.
Genome position (GRCh38, 1-based): chr16:23,603,542, A>C on the plus strand (T>G on the coding strand, the complement: PALB2 is on the minus strand). VCF-style: chr16-23603542-A-C. GRCh37 (hg19) VCF-style: chr16-23614863-A-C.
Other names: c.3418T>G, p.Ser1140Ala (NM_001407296.1); c.3406T>G, p.Ser1136Ala (NM_001407297.1); c.3316T>G, p.Ser1106Ala (NM_001407298.1); c.3241T>G, p.Ser1081Ala (NM_001407299.1); c.3199T>G, p.Ser1067Ala (NM_001407300.1); c.*113T>G (NM_001407301.1, NM_001407302.1, NM_001407310.1 and 2 more transcripts); c.2593T>G, p.Ser865Ala (NM_001407304.1, NM_001407305.1, NM_001407306.1); c.2431T>G, p.Ser811Ala (NM_001407307.1); and 3 more; short protein forms S1081A, S1106A, S564A, S1067A, S1140A, S1160A, S786A, S1136A.
Identifiers: ClinVar variation 1731808 (VCV001731808.3), dbSNP rs2142252844, ClinGen allele CA395137983.

ClinVar aggregate classification (germline): Uncertain significance (1 of 4 stars; one submission).

Conditions:
Hereditary cancer-predisposing syndrome. Also called: Neoplastic Syndromes, Hereditary; Tumor predisposition; Hereditary Cancer Syndrome; Hereditary neoplastic syndrome. Identifiers: Orphanet 140162, MedGen C0027672, MeSH D009386, MONDO:0015356.

Allele frequency attached by ClinVar (database versions not stated): gnomAD exomes below 0.00001.
gnomAD v4.1: 1 of 1,614,166 alleles (0.000062%); highest among the groups gnomAD compares: Non-Finnish European, 0.000085%; no homozygotes.

Submission:

Ambry Genetics
Classification: Uncertain significance for Hereditary cancer-predisposing syndrome. Last evaluated: 2025-02-08. Review status: criteria provided, single submitter. Criteria: Ambry Variant Classification Scheme 2023. Collection method: clinical testing. Allele origin: germline.
Comment: The p.S1160A variant (also known as c.3478T>G), located in coding exon 13 of the PALB2 gene, results from a T to G substitution at nucleotide position 3478. The serine at codon 1160 is replaced by alanine, an amino acid with similar properties. This amino acid position is conserved. In addition, this alteration is predicted to be tolerated by in silico analysis. Since supporting evidence is limited at this time, the clinical significance of this alteration remains unclear.